The following is an entry in ClinVar:

NM_005359.6(SMAD4):c.1194G>A (p.Trp398Ter)

Gene: SMAD4 (SMAD family member 4; plus strand). Cytogenetic location: 18q21.2.
Variant type: single nucleotide variant.
Coding change: c.1194G>A on transcript NM_005359.6 (MANE Select); coding-DNA position 1194, G replaced by A.
Protein change: p.Trp398Ter; replaces tryptophan 398 with a stop codon.
Molecular consequence: nonsense.
Genome position (GRCh38, 1-based): chr18:51,067,073, G>A. VCF-style: chr18-51067073-G-A. GRCh37 (hg19) VCF-style: chr18-48593443-G-A.
Other names: short protein forms W398*.
Identifiers: ClinVar variation 664189 (VCV000664189.15), dbSNP rs1599196995, ClinGen allele CA402464825.

ClinVar aggregate classification (germline): Pathogenic. Review status: criteria provided, multiple submitters, no conflicts (2 of 4 stars). 3 submissions from 3 submitters: Pathogenic (3). Last evaluated 2024-02-09.

Conditions:
Hereditary cancer-predisposing syndrome. Also called: Hereditary neoplastic syndrome; Neoplastic Syndromes, Hereditary; Tumor predisposition; Hereditary Cancer Syndrome. Identifiers: Orphanet 140162, MedGen C0027672, MeSH D009386, MONDO:0015356.
Familial thoracic aortic aneurysm and aortic dissection (TAAD). Also called: Thoracic aortic aneurysms and dissections. Identifiers: Orphanet 91387, MedGen C4707243, MONDO:0019625.
Juvenile polyposis syndrome (JPS). Identifiers: Orphanet 2929, MedGen C0345893, MONDO:0017380, OMIM 174900.
Juvenile polyposis/hereditary hemorrhagic telangiectasia syndrome (JPHT). Also called: Juvenile Polyposis Syndrome / Hereditary Hemorrhagic Telangiectasia (JPS/HHT); JP/HHT SYNDROME; JUVENILE POLYPOSIS WITH HEREDITARY HEMORRHAGIC TELANGIECTASIA; POLYPOSIS, GENERALIZED JUVENILE, WITH PULMONARY ARTERIOVENOUS MALFORMATION; TELANGIECTASIA, HEREDITARY HEMORRHAGIC, WITH JUVENILE POLYPOSIS COLI. Identifiers: Orphanet 2929, MedGen C1832942, MONDO:0008278, OMIM 175050.

Submissions (3):

Myriad Genetics, Inc.
Classification: Pathogenic for Juvenile polyposis/hereditary hemorrhagic telangiectasia syndrome. Last evaluated: 2024-02-09. Review status: criteria provided, single submitter. Criteria: Myriad Autosomal Dominant, Autosomal Recessive and X-Linked Classification Criteria (2023). Collection method: clinical testing. Allele origin: unknown.
Comment: This variant is considered pathogenic. This variant creates a termination codon and is predicted to result in premature protein truncation.

Ambry Genetics
Classification: Pathogenic for Hereditary cancer-predisposing syndrome; Familial thoracic aortic aneurysm and aortic dissection. Last evaluated: 2018-12-18. Review status: criteria provided, single submitter. Criteria: Ambry Variant Classification Scheme 2023. Collection method: clinical testing. Allele origin: germline.
Comment: The p.W398* pathogenic mutation (also known as c.1194G>A), located in coding exon 9 of the SMAD4 gene, results from a G to A substitution at nucleotide position 1194. This changes the amino acid from a tryptophan to a stop codon within coding exon 9. This alteration has been identified in several juvenile polyposis cohorts and has been shown to reduce bone morphogenic protein (BMP) signaling (van Hattem WA et al. Gut 2008 May;57:623-7; Carr JC et al. J. Surg. Res. 2012 May;174:211-4; Ngeow J et al. Gastroenterology 2013 Jun;144:1402-9, 1409.e1-5). In addition to the clinical data presented in the literature, this alteration is expected to result in loss of function by premature protein truncation or nonsense-mediated mRNA decay. As such, this alteration is interpreted as a disease-causing mutation.

Labcorp Genetics (formerly Invitae), Labcorp
Classification: Pathogenic for Juvenile polyposis syndrome. Last evaluated: 2018-08-02. Review status: criteria provided, single submitter. Criteria: Invitae Variant Classification Sherloc (09022015). Collection method: clinical testing. Allele origin: germline.
Comment: For these reasons, this variant has been classified as Pathogenic. Loss-of-function variants in SMAD4 are known to be pathogenic (PMID: 16152648, 16436638, 22810475). A different variant (c.1193G>A) giving rise to the same protein effect observed here (p.Trp398*) has been reported in individuals affected with juvenile polyposis and gastric cancer (PMID: 23399955, 18178612, 22316667), indicating that this residue may be critical for protein function. This variant has not been reported in the literature in individuals with SMAD4-related disease. This variant is not present in population databases (ExAC no frequency). This sequence change creates a premature translational stop signal (p.Trp398*) in the SMAD4 gene. It is expected to result in an absent or disrupted protein product.

Literature cited by the submitters: PubMed 16152648 (cited by Labcorp Genetics (formerly Invitae), Labcorp); PubMed 16436638 (cited by Labcorp Genetics (formerly Invitae), Labcorp); PubMed 22810475 (cited by Labcorp Genetics (formerly Invitae), Labcorp); PubMed 23399955 (cited by Labcorp Genetics (formerly Invitae), Labcorp); PubMed 18178612 (cited by Labcorp Genetics (formerly Invitae), Labcorp); PubMed 22316667 (cited by Labcorp Genetics (formerly Invitae), Labcorp).